The following is an entry in ClinVar:

NM_001101362.3(KBTBD13):c.434C>G (p.Ala145Gly)

Gene: KBTBD13 (kelch repeat and BTB domain containing 13; plus strand). Cytogenetic location: 15q22.31.
Variant type: single nucleotide variant.
Coding change: c.434C>G on transcript NM_001101362.3 (MANE Select); coding-DNA position 434, C replaced by G.
Protein change: p.Ala145Gly; replaces alanine 145 with glycine.
Molecular consequence: missense variant.
Genome position (GRCh38, 1-based): chr15:65,077,249, C>G. VCF-style: chr15-65077249-C-G. GRCh37 (hg19) VCF-style: chr15-65369587-C-G.
Other names: short protein forms A145G.
Identifiers: ClinVar variation 1413001 (VCV001413001.6), dbSNP rs1205418680, ClinGen allele CA392860721.

ClinVar aggregate classification (germline): Uncertain significance (1 of 4 stars; one submission).

Conditions:
Nemaline myopathy 6 (NEM6). Also called: Nemaline myopathy 6, autosomal dominant. Identifiers: Orphanet 171439, MedGen C1836472, MONDO:0012237, OMIM 609273.

Allele frequency attached by ClinVar (database versions not stated): gnomAD 0.00002; TOPMed 0.00003.
gnomAD v4.1: 17 of 1,415,874 alleles (0.0012%); highest among the groups gnomAD compares: Admixed American, 0.003%; no homozygotes.

Submission:

Labcorp Genetics (formerly Invitae), Labcorp
Classification: Uncertain significance for Nemaline myopathy 6. Last evaluated: 2025-10-27. Review status: criteria provided, single submitter. Criteria: Invitae Variant Classification Sherloc (09022015). Collection method: clinical testing. Allele origin: germline.
Comment: This sequence change replaces alanine, which is neutral and non-polar, with glycine, which is neutral and non-polar, at codon 145 of the KBTBD13 protein (p.Ala145Gly). This variant is present in population databases (no rsID available, gnomAD 0.01%). This variant has not been reported in the literature in individuals affected with KBTBD13-related conditions. ClinVar contains an entry for this variant (Variation ID: 1413001). Invitae Evidence Modeling of protein sequence and biophysical properties (such as structural, functional, and spatial information, amino acid conservation, physicochemical variation, residue mobility, and thermodynamic stability) indicates that this missense variant is not expected to disrupt KBTBD13 protein function with a negative predictive value of 80%. In summary, the available evidence is currently insufficient to determine the role of this variant in disease. Therefore, it has been classified as a Variant of Uncertain Significance.